The following is an entry in ClinVar:

ClinVar aggregate classification (germline): Uncertain significance. Review status: criteria provided, single submitter (1 of 4 stars). 2 submissions from 2 submitters: Uncertain significance (1). 1 of the submissions does not count toward it. Last evaluated 2022-08-23.

Conditions:
Propionic acidemia (PROP). Also called: GLYCINEMIA, KETOTIC; HYPERGLYCINEMIA WITH KETOACIDOSIS AND LEUKOPENIA; KETOTIC HYPERGLYCINEMIA. Identifiers: Orphanet 35, MedGen C0268579, MONDO:0011628, OMIM 606054, HP:0003571.

Allele frequency attached by ClinVar (database versions not stated): gnomAD exomes below 0.00001.
gnomAD v4.1: 3 of 1,594,752 alleles (0.00019%); highest among the groups gnomAD compares: South Asian, 0.0011%; no homozygotes.

Submissions (2):

Labcorp Genetics (formerly Invitae), Labcorp
Classification: Uncertain significance for Propionic acidemia. Last evaluated: 2022-08-23. Review status: criteria provided, single submitter. Criteria: Invitae Variant Classification Sherloc (09022015). Collection method: clinical testing. Allele origin: germline.
Comment: This sequence change replaces lysine, which is basic and polar, with glutamic acid, which is acidic and polar, at codon 407 of the PCCA protein (p.Lys407Glu). This variant is present in population databases (no rsID available, gnomAD 0.003%). This variant has not been reported in the literature in individuals affected with PCCA-related conditions. ClinVar contains an entry for this variant (Variation ID: 1379621). Advanced modeling of protein sequence and biophysical properties (such as structural, functional, and spatial information, amino acid conservation, physicochemical variation, residue mobility, and thermodynamic stability) performed at Invitae indicates that this missense variant is expected to disrupt PCCA protein function. In summary, the available evidence is currently insufficient to determine the role of this variant in disease. Therefore, it has been classified as a Variant of Uncertain Significance.

Natera, Inc.
Classification: Uncertain significance for Propionic acidemia. Last evaluated: 2025-05-12. Review status: no assertion criteria provided. Collection method: clinical testing. Allele origin: germline. Not counted in ClinVar's aggregate classification.

NM_000282.4(PCCA):c.1219A>G (p.Lys407Glu)

Gene: PCCA (propionyl-CoA carboxylase subunit alpha; plus strand). Cytogenetic location: 13q32.3.
Variant type: single nucleotide variant.
Coding change: c.1219A>G on transcript NM_000282.4 (MANE Select); coding-DNA position 1219, A replaced by G.
Protein change: p.Lys407Glu; replaces lysine 407 with glutamic acid.
Molecular consequence: missense variant. On other transcripts: non-coding transcript variant (5).
Genome position (GRCh38, 1-based): chr13:100,302,933, A>G. VCF-style: chr13-100302933-A-G. GRCh37 (hg19) VCF-style: chr13-100955187-A-G.
Other names: c.1219A>G (NM_000282.3); c.1141A>G, p.Lys381Glu (NM_001127692.3, NM_001352607.2); c.1219A>G, p.Lys407Glu (NM_001178004.2, NM_001352605.2, NM_001352609.2); c.1075A>G, p.Lys359Glu (NM_001352606.2); c.997A>G, p.Lys333Glu (NM_001352608.2); c.274A>G, p.Lys92Glu (NM_001352610.2, NM_001352611.2); c.130A>G, p.Lys44Glu (NM_001352612.2); short protein forms K333E, K381E, K44E, K359E, K92E, K407E.
Identifiers: ClinVar variation 1379621 (VCV001379621.7), dbSNP rs1190274343, ClinGen allele CA388695434.